The following is an entry in ClinVar:

ClinVar aggregate classification (germline): Uncertain significance. Review status: criteria provided, multiple submitters, no conflicts (2 of 4 stars). 2 submissions from 2 submitters: Uncertain significance (2). Last evaluated 2025-09-16.

Conditions:
Hypertrophic cardiomyopathy. Also called: HYPERTROPHIC MYOCARDIOPATHY. Identifiers: Orphanet 217569, MedGen C0007194, MeSH D002312, MONDO:0005045, HP:0001639.

Allele frequency attached by ClinVar (database versions not stated): gnomAD exomes 0.00010 and 0.00011; ExAC 0.00011; ESP Exome Variant Server 0.00016; TOPMed 0.00007; gnomAD 0.00009.
gnomAD v4.1: 159 of 1,613,102 alleles (0.0099%); highest among the groups gnomAD compares: Middle Eastern, 0.049%; no homozygotes.

Submissions (2):

Labcorp Genetics (formerly Invitae), Labcorp
Classification: Uncertain significance for Hypertrophic cardiomyopathy. Last evaluated: 2025-09-16. Review status: criteria provided, single submitter. Criteria: Invitae Variant Classification Sherloc (09022015). Collection method: clinical testing. Allele origin: germline.
Comment: This sequence change replaces tyrosine, which is neutral and polar, with cysteine, which is neutral and slightly polar, at codon 489 of the MYOM1 protein (p.Tyr489Cys). This variant is present in population databases (rs369422118, gnomAD 0.02%). This variant has not been reported in the literature in individuals affected with MYOM1-related conditions. ClinVar contains an entry for this variant (Variation ID: 229016). Invitae Evidence Modeling of protein sequence and biophysical properties (such as structural, functional, and spatial information, amino acid conservation, physicochemical variation, residue mobility, and thermodynamic stability) indicates that this missense variant is not expected to disrupt MYOM1 protein function with a negative predictive value of 80%. In summary, the available evidence is currently insufficient to determine the role of this variant in disease. Therefore, it has been classified as a Variant of Uncertain Significance.

Laboratory for Molecular Medicine, Mass General Brigham Personalized Medicine
Classification: Uncertain significance. Last evaluated: 2015-04-18. Review status: criteria provided, single submitter. Criteria: LMM Criteria. Collection method: clinical testing. Allele origin: germline. Observed: 1 variant allele.
Comment: The p.Tyr489Cys variant in MYOM1 has not been previously reported in individuals with cardiomyopathy, but has been identified in 10/56672 European chromosomes b y the Exome Aggregation Consortium (ExAC; dbSNP rs369422118). Computational prediction tools and conservation analysis do not pr ovide strong support for or against an impact to the protein. In summary, the cl inical significance of the p.Tyr489Cys variant is uncertain.

NM_003803.4(MYOM1):c.1466A>G (p.Tyr489Cys)

Gene: MYOM1 (myomesin 1; minus strand). Cytogenetic location: 18p11.31.
Variant type: single nucleotide variant.
Coding change: c.1466A>G on transcript NM_003803.4 (MANE Select); coding-DNA position 1466, A replaced by G.
Protein change: p.Tyr489Cys; replaces tyrosine 489 with cysteine.
Molecular consequence: missense variant.
Genome position (GRCh38, 1-based): chr18:3,164,313, T>C on the plus strand (A>G on the coding strand, the complement: MYOM1 is on the minus strand). VCF-style: chr18-3164313-T-C. GRCh37 (hg19) VCF-style: chr18-3164311-T-C.
Other names: c.1466A>G, p.Tyr489Cys (NM_019856.2); short protein forms Y489C.
Identifiers: ClinVar variation 229016 (VCV000229016.13), dbSNP rs369422118, ClinGen allele CA8874942.